The following is an entry in ClinVar:

NM_213622.4(STAMBP):c.1110G>C (p.Lys370Asn)

Gene: STAMBP (STAM binding protein; plus strand). Cytogenetic location: 2p13.1.
Variant type: single nucleotide variant.
Coding change: c.1110G>C on transcript NM_213622.4 (MANE Select); coding-DNA position 1110, G replaced by C.
Protein change: p.Lys370Asn; replaces lysine 370 with asparagine.
Molecular consequence: missense variant. On other transcripts: non-coding transcript variant (4).
Genome position (GRCh38, 1-based): chr2:73,859,358, G>C. VCF-style: chr2-73859358-G-C. GRCh37 (hg19) VCF-style: chr2-74086485-G-C.
Other names: c.1110G>C, p.Lys370Asn (NM_001353968.2, NM_001353969.2, NM_001353970.2 and 3 more transcripts); c.705G>C, p.Lys235Asn (NM_001353975.2, NM_001353976.2, NM_001353971.2 and 3 more transcripts); c.1110G>C (NM_213622.2); short protein forms K370N, K235N.
Identifiers: ClinVar variation 1481318 (VCV001481318.9), dbSNP rs766778034, ClinGen allele CA1717701.
Genomic context (GRCh38, chr2:73,859,358, plus strand): 5'-CACTCACTGCTCTTACCAGATGATGTTGCCAGAGTCAGTAGCCATTGTTTGCTCCCCCAA[G>C]TTCCAGGAGTGAGTATAGAGGGCATGGTTCTGGGTGTTTCAAGGGGGTAGTAGGGAAGAA-3'
Protein context (NP_998787.1, residues 360-380): PESVAIVCSP[Lys370Asn]FQETGFFKLT

ClinVar aggregate classification (germline): Uncertain significance. Review status: criteria provided, multiple submitters, no conflicts (2 of 4 stars). 2 submissions from 2 submitters: Uncertain significance (2). Last evaluated 2022-01-19.

Conditions:
Inborn genetic diseases. Identifiers: MedGen C0950123, MeSH D030342.

Allele frequency attached by ClinVar (database versions not stated): gnomAD 0.00001; ExAC 0.00005; 1000 Genomes Project 30x 0.00016.
gnomAD v4.1: 14 of 1,613,736 alleles (0.00087%); highest among the groups gnomAD compares: Admixed American, 0.01%; no homozygotes.

Submissions (2):

Ambry Genetics
Classification: Uncertain significance for Inborn genetic diseases. Last evaluated: 2022-01-19. Review status: criteria provided, single submitter. Criteria: Ambry Variant Classification Scheme 2023. Collection method: clinical testing. Allele origin: germline.

Labcorp Genetics (formerly Invitae), Labcorp
Classification: Uncertain significance. Last evaluated: 2021-12-02. Review status: criteria provided, single submitter. Criteria: Invitae Variant Classification Sherloc (09022015). Collection method: clinical testing. Allele origin: germline.
Comment: This sequence change replaces lysine, which is basic and polar, with asparagine, which is neutral and polar, at codon 370 of the STAMBP protein (p.Lys370Asn). This variant is present in population databases (rs766778034, gnomAD 0.02%). This variant has not been reported in the literature in individuals affected with STAMBP-related conditions. Algorithms developed to predict the effect of missense changes on protein structure and function (SIFT, PolyPhen-2, Align-GVGD) all suggest that this variant is likely to be disruptive. In summary, the available evidence is currently insufficient to determine the role of this variant in disease. Therefore, it has been classified as a Variant of Uncertain Significance.